The following is an entry in ClinVar:

ClinVar aggregate classification (germline): Uncertain significance (1 of 4 stars; one submission).

Conditions:
Infantile spasms. Also called: Infantile spasm. Identifiers: MedGen C3887898, HP:0012469.

Submission:

Labcorp Genetics (formerly Invitae), Labcorp
Classification: Uncertain significance for Infantile spasms. Last evaluated: 2019-09-23. Review status: criteria provided, single submitter. Criteria: Invitae Variant Classification Sherloc (09022015). Collection method: clinical testing. Allele origin: germline.
Comment: This sequence change replaces glutamic acid with lysine at codon 510 of the PIK3AP1 protein (p.Glu510Lys). The glutamic acid residue is highly conserved and there is a small physicochemical difference between glutamic acid and lysine. This variant is not present in population databases (ExAC no frequency). This variant has not been reported in the literature in individuals with PIK3AP1-related conditions. Algorithms developed to predict the effect of missense changes on protein structure and function output the following: SIFT: "Deleterious"; PolyPhen-2: "Benign"; Align-GVGD: "Class C15". The lysine amino acid residue is found in multiple mammalian species, suggesting that this missense change does not adversely affect protein function. These predictions have not been confirmed by published functional studies and their clinical significance is uncertain. In summary, the available evidence is currently insufficient to determine the role of this variant in disease. Therefore, it has been classified as a Variant of Uncertain Significance.

NM_152309.3(PIK3AP1):c.1528G>A (p.Glu510Lys)

Gene: PIK3AP1 (phosphoinositide-3-kinase adaptor protein 1; minus strand). Cytogenetic location: 10q24.1.
Variant type: single nucleotide variant.
Coding change: c.1528G>A on transcript NM_152309.3 (MANE Select); coding-DNA position 1528, G replaced by A.
Protein change: p.Glu510Lys; replaces glutamic acid 510 with lysine.
Molecular consequence: missense variant.
Genome position (GRCh38, 1-based): chr10:96,626,849, C>T on the plus strand (G>A on the coding strand, the complement: PIK3AP1 is on the minus strand). VCF-style: chr10-96626849-C-T. GRCh37 (hg19) VCF-style: chr10-98386606-C-T.
Other names: short protein forms E510K.
Identifiers: ClinVar variation 940144 (VCV000940144.1), dbSNP rs1843161341, ClinGen allele CA377756078.